The following is an entry in ClinVar:

NM_001814.6(CTSC):c.509A>G (p.Tyr170Cys)

Gene: CTSC (cathepsin C; minus strand). Cytogenetic location: 11q14.2.
Variant type: single nucleotide variant.
Coding change: c.509A>G on transcript NM_001814.6 (MANE Select); coding-DNA position 509, A replaced by G.
Protein change: p.Tyr170Cys; replaces tyrosine 170 with cysteine.
Molecular consequence: missense variant.
Genome position (GRCh38, 1-based): chr11:88,309,295, T>C on the plus strand (A>G on the coding strand, the complement: CTSC is on the minus strand). VCF-style: chr11-88309295-T-C. GRCh37 (hg19) VCF-style: chr11-88042463-T-C.
Other names: c.509A>G (LRG_50t1); short protein forms Y170C.
Identifiers: ClinVar variation 306428 (VCV000306428.6), dbSNP rs763656343, ClinGen allele CA6219928.

ClinVar aggregate classification (germline): Uncertain significance. Review status: criteria provided, multiple submitters, no conflicts (2 of 4 stars). 3 submissions from 2 submitters: Uncertain significance (3). Last evaluated 2021-12-13.

Conditions:
Papillon-Lefèvre syndrome (PALS). Also called: KERATOSIS PALMOPLANTARIS WITH PERIODONTOPATHIA; Papillon-Lefevre Disease. Identifiers: Orphanet 678, MedGen C0030360, MONDO:0009490, OMIM 245000.
Periodontitis, aggressive. Identifiers: MedGen C0031106, MONDO:0980757.
Haim-Munk syndrome (HMS). Also called: COCHIN JEWISH DISORDER; KERATOSIS PALMOPLANTARIS WITH PERIODONTOPATHIA AND ONYCHOGRYPOSIS. Identifiers: Orphanet 2342, MedGen C1855627, MONDO:0009491, OMIM 245010.

Allele frequency attached by ClinVar (database versions not stated): gnomAD exomes 0.00003 and 0.00001; TOPMed 0.00001; ExAC 0.00002; gnomAD 0.00001.
gnomAD v4.1: 17 of 1,613,782 alleles (0.0011%); highest among the groups gnomAD compares: South Asian, 0.016%; no homozygotes.

Submissions (3):

Labcorp Genetics (formerly Invitae), Labcorp
Classification: Uncertain significance for Haim-Munk syndrome; Periodontitis, aggressive; Papillon-Lefèvre syndrome. Last evaluated: 2021-12-13. Review status: criteria provided, single submitter. Criteria: Invitae Variant Classification Sherloc (09022015). Collection method: clinical testing. Allele origin: germline.
Comment: This sequence change replaces tyrosine, which is neutral and polar, with cysteine, which is neutral and slightly polar, at codon 170 of the CTSC protein (p.Tyr170Cys). This variant is present in population databases (rs763656343, gnomAD 0.02%). This variant has not been reported in the literature in individuals affected with CTSC-related conditions. ClinVar contains an entry for this variant (Variation ID: 306428). Algorithms developed to predict the effect of missense changes on protein structure and function are either unavailable or do not agree on the potential impact of this missense change (SIFT: "Not Available"; PolyPhen-2: "Possibly Damaging"; Align-GVGD: "Not Available"). In summary, the available evidence is currently insufficient to determine the role of this variant in disease. Therefore, it has been classified as a Variant of Uncertain Significance.

Illumina Laboratory Services, Illumina
Classification: Uncertain significance for Papillon-Lefèvre syndrome. Last evaluated: 2018-01-13. Review status: criteria provided, single submitter. Criteria: ICSL Variant Classification Criteria 13 December 2019. Collection method: clinical testing. Allele origin: germline.

Illumina Laboratory Services, Illumina
Classification: Uncertain significance for Haim-Munk syndrome. Last evaluated: 2018-01-13. Review status: criteria provided, single submitter. Criteria: ICSL Variant Classification Criteria 13 December 2019. Collection method: clinical testing. Allele origin: germline.